The following is an entry in ClinVar:

NM_002381.5(MATN3):c.248A>G (p.Asp83Gly)

Gene: MATN3 (matrilin 3; minus strand). Cytogenetic location: 2p24.1.
Variant type: single nucleotide variant.
Coding change: c.248A>G on transcript NM_002381.5 (MANE Select); coding-DNA position 248, A replaced by G.
Protein change: p.Asp83Gly; replaces aspartic acid 83 with glycine.
Molecular consequence: missense variant.
Genome position (GRCh38, 1-based): chr2:20,006,286, T>C on the plus strand (A>G on the coding strand, the complement: MATN3 is on the minus strand). VCF-style: chr2-20006286-T-C. GRCh37 (hg19) VCF-style: chr2-20206047-T-C.
Other names: short protein forms D83G.
Identifiers: ClinVar variation 4745319 (VCV004745319.1).

ClinVar aggregate classification (germline): Uncertain significance (1 of 4 stars; one submission).

Submission:

Labcorp Genetics (formerly Invitae), Labcorp
Classification: Uncertain significance. Last evaluated: 2026-01-17. Review status: criteria provided, single submitter. Criteria: Invitae Variant Classification Sherloc (09022015). Collection method: clinical testing. Allele origin: germline.
Comment: This sequence change replaces aspartic acid, which is acidic and polar, with glycine, which is neutral and non-polar, at codon 83 of the MATN3 protein (p.Asp83Gly). This variant is not present in population databases (gnomAD no frequency). This variant has not been reported in the literature in individuals affected with MATN3-related conditions. Invitae Evidence Modeling of protein sequence and biophysical properties (such as structural, functional, and spatial information, amino acid conservation, physicochemical variation, residue mobility, and thermodynamic stability) indicates that this missense variant is expected to disrupt MATN3 protein function with a positive predictive value of 80%. In summary, the available evidence is currently insufficient to determine the role of this variant in disease. Therefore, it has been classified as a Variant of Uncertain Significance.